The following is an entry in ClinVar:

NM_000257.4(MYH7):c.2622G>T (p.Glu874Asp)

Genes: MYH7 (myosin heavy chain 7; minus strand), LOC126861898 (BRD4-independent group 4 enhancer GRCh37_chr14:23893609-23894808; plus strand). Cytogenetic location: 14q11.2.
Variant type: single nucleotide variant.
Coding change: c.2622G>T on transcript NM_000257.4 (MANE Select); coding-DNA position 2622, G replaced by T.
Protein change: p.Glu874Asp; replaces glutamic acid 874 with aspartic acid.
Molecular consequence: missense variant.
Genome position (GRCh38, 1-based): chr14:23,424,826, C>A on the plus strand (G>T on the coding strand, the complement: MYH7 is on the minus strand). VCF-style: chr14-23424826-C-A. GRCh37 (hg19) VCF-style: chr14-23894035-C-A.
Other names: c.2622G>T, p.Glu874Asp (NM_001407004.1); short protein forms E874D.
Identifiers: ClinVar variation 3636029 (VCV003636029.2).

ClinVar aggregate classification (germline): Uncertain significance (1 of 4 stars; one submission).

Conditions:
Hypertrophic cardiomyopathy. Also called: HYPERTROPHIC MYOCARDIOPATHY. Identifiers: Orphanet 217569, MedGen C0007194, MeSH D002312, MONDO:0005045, HP:0001639.

Submission:

Labcorp Genetics (formerly Invitae), Labcorp
Classification: Uncertain significance for Hypertrophic cardiomyopathy. Last evaluated: 2024-09-11. Review status: criteria provided, single submitter. Criteria: Invitae Variant Classification Sherloc (09022015). Collection method: clinical testing. Allele origin: germline.
Comment: This sequence change replaces glutamic acid, which is acidic and polar, with aspartic acid, which is acidic and polar, at codon 874 of the MYH7 protein (p.Glu874Asp). This variant is not present in population databases (gnomAD no frequency). This variant has not been reported in the literature in individuals affected with MYH7-related conditions. Invitae Evidence Modeling of protein sequence and biophysical properties (such as structural, functional, and spatial information, amino acid conservation, physicochemical variation, residue mobility, and thermodynamic stability) indicates that this missense variant is expected to disrupt MYH7 protein function with a positive predictive value of 95%. In summary, the available evidence is currently insufficient to determine the role of this variant in disease. Therefore, it has been classified as a Variant of Uncertain Significance.